The following is an entry in ClinVar:

NM_197968.4(ZMYM2):c.3532del (p.Ile1178fs)

Gene: ZMYM2 (zinc finger MYM-type containing 2; plus strand). Cytogenetic location: 13q12.11.
Variant type: Deletion.
Coding change: c.3532del on transcript NM_197968.4 (MANE Select); coding-DNA position 3532, one base deleted (A; older notation c.3532delA).
Protein change: p.Ile1178fs; shifts the reading frame from isoleucine 1178.
Molecular consequence: frameshift variant. On other transcripts: non-coding transcript variant (1).
Genome position (GRCh38, 1-based): chr13:20,082,094, A deleted; the last of 4 consecutive A bases (chr13:20,082,091-20,082,094); deleting any one gives the same sequence. VCF-style (leftmost placement, unchanged base first): chr13-20082090-TA-T. GRCh37 (hg19) VCF-style: chr13-20656230-TA-T.
Other names: c.3532del, p.Ile1178fs (NM_001190964.4, NM_001190965.4, NM_001353157.2 and 4 more transcripts); c.3337del, p.Ile1113fs (NM_001353161.3); c.3271del, p.Ile1091fs (NM_001353163.2); short protein forms I1091fs, I1113fs, I1178fs.
Identifiers: ClinVar variation 1334524 (VCV001334524.4), dbSNP rs2141042140, ClinGen allele CA2573053786.

ClinVar aggregate classification (germline): Pathogenic (1 of 4 stars; one submission).

Conditions:
Neurodevelopmental-craniofacial syndrome with variable renal and cardiac abnormalities. Identifiers: MedGen C5561984, MONDO:0859190, OMIM 619522.

Submission:

Greenwood Genetic Center Diagnostic Laboratories, Greenwood Genetic Center
Classification: Pathogenic for Neurodevelopmental-craniofacial syndrome with variable renal and cardiac abnormalities. Last evaluated: 2021-07-27. Review status: criteria provided, single submitter. Criteria: ACMG Guidelines, 2015. Collection method: clinical testing. Allele origin: germline. Affected: yes.
Comment: PVS1, PS2, PM2